The following is an entry in ClinVar:

NM_020366.4(RPGRIP1):c.420del (p.Gln140fs)

Gene: RPGRIP1 (RPGR interacting protein 1; plus strand). Cytogenetic location: 14q11.2.
Variant type: Deletion.
Coding change: c.420del on transcript NM_020366.4 (MANE Select); coding-DNA position 420, one base deleted (G; older notation c.420delG).
Protein change: p.Gln140fs; shifts the reading frame from glutamine 140.
Molecular consequence: frameshift variant.
Genome position (GRCh38, 1-based): chr14:21,301,167, G deleted. VCF-style (leftmost placement, unchanged base first): chr14-21301166-AG-A. GRCh37 (hg19) VCF-style: chr14-21769325-AG-A.
Other names: p.Gln140HisfsTer30; short protein forms Q140fs.
Identifiers: ClinVar variation 3255607 (VCV003255607.3).

ClinVar aggregate classification (germline): Pathogenic. Review status: criteria provided, multiple submitters, no conflicts (2 of 4 stars). 2 submissions from 2 submitters: Pathogenic (2). Last evaluated 2025-11-12.

Conditions:
Retinal disorder. Also called: Retinopathies; Retinal Diseases; Retinal disorders; Retinopathy. Identifiers: MedGen C0035309, MONDO:0005283, HP:0000488.
Leber congenital amaurosis 6 (LCA6). Identifiers: Orphanet 65, MedGen C1854260, MONDO:0013446, OMIM 613826.

Submissions (2):

Genetics Laboratory, Great Ormond Street Hospital NHS Foundation Trust, North Thames Genomic Laboratory Hub
Classification: Pathogenic for Retinal disorders. Last evaluated: 2025-11-12. Review status: criteria provided, single submitter. Criteria: ACGS Best Practice Guidelines for Variant Classification in Rare Disease 2024 v1.2. Collection method: clinical testing. Allele origin: germline. Affected: yes.
Comment: PM2_moderate, PVS1_very-strong, PM3_moderate

Breakthrough Genomics
Classification: Pathogenic for Leber congenital amaurosis 6. Last evaluated: 2021-02-13. Review status: criteria provided, single submitter. Criteria: ACMG Guidelines, 2015. Collection method: clinical testing. Allele origin: germline. Affected: yes.
Comment: And this variant was also found in the parents and three healthy siblings in heterozygous state and was absent in one sibling suggesting the autosomal inheritance in this family. This variant was not observed in 80 healthy ethnically matched, or in 96 Caucasian control individuals analyzed and this variant was classified as deleterious [PMID: 27116508].